The following is an entry in ClinVar:

NM_001128178.3(NPHP1):c.811A>G (p.Ile271Val)

Gene: NPHP1 (nephrocystin 1; minus strand). Cytogenetic location: 2q13.
Variant type: single nucleotide variant.
Coding change: c.811A>G on transcript NM_001128178.3 (MANE Select); coding-DNA position 811, A replaced by G.
Protein change: p.Ile271Val; replaces isoleucine 271 with valine.
Molecular consequence: missense variant.
Genome position (GRCh38, 1-based): chr2:110,163,096, T>C on the plus strand (A>G on the coding strand, the complement: NPHP1 is on the minus strand). VCF-style: chr2-110163096-T-C. GRCh37 (hg19) VCF-style: chr2-110920673-T-C.
Other names: c.979A>G (NM_000272.4); c.979A>G, p.Ile327Val (NM_000272.5); c.622A>G, p.Ile208Val (NM_001128179.3); c.808A>G, p.Ile270Val (NM_001374256.1); c.811A>G, p.Ile271Val (NM_001374257.1); c.976A>G, p.Ile326Val (NM_207181.4); short protein forms I327V, I326V, I208V, I271V, I270V.
Identifiers: ClinVar variation 290380 (VCV000290380.13), dbSNP rs750291966, ClinGen allele CA1827214.

ClinVar aggregate classification (germline): Uncertain significance. Review status: criteria provided, multiple submitters, no conflicts (2 of 4 stars). 4 submissions from 4 submitters: Uncertain significance (4). Last evaluated 2026-06-21.

Conditions:
NPHP1-related disorder. Also called: NPHP1-related condition; NPHP1-related disorders.
Nephronophthisis 1 (NPHP1). Also called: Nephronophthisis familial juvenile. Identifiers: Orphanet 655, Orphanet 93592, MedGen C1855681, MONDO:0009728, OMIM 256100.
Joubert syndrome with renal defect. Also called: JOUBERT SYNDROME 4. Identifiers: Orphanet 220497, MedGen C1846790, MONDO:0012308, OMIM 609583.
Senior-Loken syndrome 1 (SLSN1). Also called: JUVENILE NEPHRONOPHTHISIS WITH LEBER AMAUROSIS. Identifiers: Orphanet 3156, MedGen C4551559, MONDO:0009962, OMIM 266900.
Nephronophthisis. Also called: Juvenile Nephronophthisis. Identifiers: Orphanet 655, MedGen C0687120, MONDO:0019005, HP:0000090.

Allele frequency attached by ClinVar (database versions not stated): ExAC 0.00003; TOPMed 0.00003; gnomAD exomes 0.00004 and 0.00007; gnomAD 0.00005.
gnomAD v4.1: 103 of 1,613,600 alleles (0.0064%); highest among the groups gnomAD compares: Non-Finnish European, 0.0082%; no homozygotes.

Submissions (4):

PreventionGenetics, part of Exact Sciences
Classification: Uncertain significance for NPHP1-related condition. Last evaluated: 2026-06-21. Review status: criteria provided, single submitter. Criteria: ACMG Guidelines, 2015. Collection method: clinical testing. Allele origin: germline.
Comment: The NPHP1 c.979A>G variant is predicted to result in the amino acid substitution p.Ile327Val. To our knowledge, this variant has not been reported in the literature. This variant is reported in 0.0062% of alleles in individuals of European (Non-Finnish) descent in gnomAD. At this time, the clinical significance of this variant is uncertain due to the absence of conclusive functional and genetic evidence.

Fulgent Genetics
Classification: Uncertain significance for Nephronophthisis 1; Senior-Loken syndrome 1; Joubert syndrome with renal defect. Last evaluated: 2024-06-11. Review status: criteria provided, single submitter. Criteria: ACMG Guidelines, 2015. Collection method: clinical testing. Allele origin: germline.

Labcorp Genetics (formerly Invitae), Labcorp
Classification: Uncertain significance for Nephronophthisis. Last evaluated: 2024-01-08. Review status: criteria provided, single submitter. Criteria: Invitae Variant Classification Sherloc (09022015). Collection method: clinical testing. Allele origin: germline.
Comment: This sequence change replaces isoleucine, which is neutral and non-polar, with valine, which is neutral and non-polar, at codon 327 of the NPHP1 protein (p.Ile327Val). This variant is present in population databases (rs750291966, gnomAD 0.006%). This variant has not been reported in the literature in individuals affected with NPHP1-related conditions. ClinVar contains an entry for this variant (Variation ID: 290380). Advanced modeling of protein sequence and biophysical properties (such as structural, functional, and spatial information, amino acid conservation, physicochemical variation, residue mobility, and thermodynamic stability) performed at Invitae indicates that this missense variant is not expected to disrupt NPHP1 protein function with a negative predictive value of 80%. In summary, the available evidence is currently insufficient to determine the role of this variant in disease. Therefore, it has been classified as a Variant of Uncertain Significance.

Eurofins Ntd Llc (ga)
Classification: Uncertain significance. Last evaluated: 2016-08-11. Review status: criteria provided, single submitter. Criteria: EGL Classification Definitions 2015. Collection method: clinical testing. Allele origin: germline. Observed: 1 variant allele, 1 heterozygote.